The following is an entry in ClinVar:

ClinVar aggregate classification (germline): Likely pathogenic. Review status: criteria provided, multiple submitters, no conflicts (2 of 4 stars). 3 submissions from 3 submitters: Likely pathogenic (3). Last evaluated 2026-01-23.

Conditions:
Medium-chain acyl-coenzyme A dehydrogenase deficiency (ACADMD). Also called: MCADH DEFICIENCY; MCADD; ACADM DEFICIENCY; CARNITINE DEFICIENCY SECONDARY TO MEDIUM-CHAIN ACYL-CoA DEHYDROGENASE DEFICIENCY; MCAD Deficiency; Medium chain acyl-CoA dehydrogenase deficiency. Identifiers: Orphanet 42, MedGen C0220710, MONDO:0008721, OMIM 201450.

Submissions (3):

Natera, Inc.
Classification: Likely pathogenic for Medium Chain Acyl-CoA Dehydrogenase Deficiency. Last evaluated: 2026-01-23. Review status: criteria provided, single submitter. Criteria: Natera Variant Classification Schema (03/2026). Collection method: clinical testing. Allele origin: germline.
Comment: The c.865G>A variant in ACADM is a missense variant predicted to cause substitution of valine to isoleucine at amino acid 289. This variant is rare in the general population with a frequency below the threshold expected for the associated phenotype(s). This variant has been observed in one or more individuals affected with the associated recessive disease, as either homozygous or compound heterozygous with a second variant (PMID: 31012112, 22630369). Computational prediction algorithms indicate this variant is likely to affect gene or protein function. Given the available evidence, this variant is classified as Likely Pathogenic.

Labcorp Genetics (formerly Invitae), Labcorp
Classification: Likely pathogenic for Medium-chain acyl-coenzyme A dehydrogenase deficiency. Last evaluated: 2025-11-17. Review status: criteria provided, single submitter. Criteria: Invitae Variant Classification Sherloc (09022015). Collection method: clinical testing. Allele origin: germline.
Comment: This sequence change replaces valine, which is neutral and non-polar, with isoleucine, which is neutral and non-polar, at codon 289 of the ACADM protein (p.Val289Ile). This variant is not present in population databases (gnomAD no frequency). This missense change has been observed in individual(s) with medium-chain acyl-coenzyme A dehydrogenase deficiency (PMID: 22630369). ClinVar contains an entry for this variant (Variation ID: 2679931). Invitae Evidence Modeling of protein sequence and biophysical properties (such as structural, functional, and spatial information, amino acid conservation, physicochemical variation, residue mobility, and thermodynamic stability) indicates that this missense variant is not expected to disrupt ACADM protein function with a negative predictive value of 80%. Experimental studies have shown that this missense change affects ACADM function (PMID: 37257730). This variant disrupts the p.Val289 amino acid residue in ACADM. Other variant(s) that disrupt this residue have been determined to be pathogenic (internal data). This suggests that this residue is clinically significant, and that variants that disrupt this residue are likely to be disease-causing. In summary, the currently available evidence indicates that the variant is pathogenic, but additional data are needed to prove that conclusively. Therefore, this variant has been classified as Likely Pathogenic.

Baylor Genetics
Classification: Likely pathogenic for Medium-chain acyl-coenzyme A dehydrogenase deficiency. Last evaluated: 2023-03-16. Review status: criteria provided, single submitter. Criteria: ACMG Guidelines, 2015. Collection method: clinical testing. Allele origin: unknown.

Literature cited by the submitters: PubMed 31012112 (cited by Natera, Inc.); PubMed 22630369 (cited by Natera, Inc. and Labcorp Genetics (formerly Invitae), Labcorp); PubMed 37257730 (cited by Labcorp Genetics (formerly Invitae), Labcorp).

NM_000016.6(ACADM):c.865G>A (p.Val289Ile)

Gene: ACADM (acyl-CoA dehydrogenase medium chain; plus strand). Cytogenetic location: 1p31.1.
Variant type: single nucleotide variant.
Coding change: c.865G>A on transcript NM_000016.6 (MANE Select); coding-DNA position 865, G replaced by A.
Protein change: p.Val289Ile; replaces valine 289 with isoleucine.
Molecular consequence: missense variant.
Genome position (GRCh38, 1-based): chr1:75,750,466, G>A. VCF-style: chr1-75750466-G-A. GRCh37 (hg19) VCF-style: chr1-76216151-G-A.
Other names: c.877G>A, p.Val293Ile (NM_001127328.3); c.757G>A, p.Val253Ile (NM_001286042.2); c.964G>A, p.Val322Ile (NM_001286043.2); c.298G>A, p.Val100Ile (NM_001286044.2); short protein forms V100I, V253I, V289I, V293I, V322I.
Identifiers: ClinVar variation 2679931 (VCV002679931.3), dbSNP rs1648137997, ClinGen allele CA340816954.